The following is an entry in ClinVar:

ClinVar aggregate classification (germline): Conflicting classifications of pathogenicity. Review status: criteria provided, conflicting classifications (1 of 4 stars). 7 submissions from 7 submitters: Likely pathogenic (4); Uncertain significance (3). Last evaluated 2026-10-07.

Conditions:
Cardiomyopathy (CMYO). Also called: Cardiomyopathies. Identifiers: Orphanet 167848, MedGen C0878544, MONDO:0004994, HP:0001638. Inheritance: Various modes of inheritance.
Hypertrophic cardiomyopathy 2. Also called: TNNT2-Related Familial Hypertrophic Cardiomyopathy. Identifiers: MedGen C1861864, MONDO:0007266, OMIM 115195.
Dilated cardiomyopathy 1D. Identifiers: Orphanet 154, Orphanet 54260, MedGen C1832243, MONDO:0011095, OMIM 601494.
Cardiomyopathy, familial restrictive, 3. Identifiers: Orphanet 75249, MedGen C2676271, MONDO:0012900, OMIM 612422.
Cardiovascular phenotype. Identifiers: MedGen CN230736.

Allele frequency attached by ClinVar (database versions not stated): gnomAD exomes below 0.00001.
gnomAD v4.1: 4 of 1,613,216 alleles (0.00025%); highest among the groups gnomAD compares: Non-Finnish European, 0.00017%; no homozygotes.

Submissions (7):

GeneDx
Classification: Likely pathogenic. Last evaluated: 2026-10-07. Review status: criteria provided, single submitter. Criteria: GeneDx Variant Classification Process June 2021. Collection method: clinical testing. Allele origin: germline.
Comment: Not observed at significant frequency in large population cohorts (gnomAD); In silico analysis supports that this missense variant has a deleterious effect on protein structure/function; This variant is associated with the following publications: (PMID: 27532257, 25448463, 24503780, 31983221, 32746448, 37652022, 40225148, 38489124)

Ambry Genetics
Classification: Likely pathogenic for Cardiovascular phenotype. Last evaluated: 2026-01-16. Review status: criteria provided, single submitter. Criteria: Ambry Variant Classification Scheme 2023. Collection method: clinical testing. Allele origin: germline.
Comment: The p.R139C variant (also known as c.415C>T), located in coding exon 9 of the TNNT2 gene, results from a C to T substitution at nucleotide position 415. The arginine at codon 139 is replaced by cysteine, an amino acid with highly dissimilar properties. This variant was reported in individual(s) with features consistent with dilated cardiomyopathy (DCM) (Chami N et al. Can J Cardiol, 2014 Dec;30:1655-61; Pugh TJ et al. Genet Med, 2014 Aug;16:601-8; Walsh R et al. Genet Med, 2017 02;19:192-203; Horvat C et al. Genet Med, 2019 01;21:133-143; Mazzarotto F et al. Circulation, 2020 02;141:387-398; McGurk KA et al. Am J Hum Genet, 2023 Sep;110:1482-1495; Murphy J et al. Ir J Med Sci, 2024 Aug;193:1775-1785; Perret C et al. Clin Genet, 2024 Feb;105:185-189; Ambry internal data). Note, this variant is also referred to as NM_001276345.2:c.445C>T (p.R149C) in the literature. Other variant(s) at the same codon, p.R139H (c.416G>A), have been identified in individual(s) with features consistent with DCM (Morales A et al. Clin Transl Sci, 2010 Oct;3:219-26; Walsh R et al. Genet Med, 2017 Feb;19:192-203. This amino acid position is highly conserved in available vertebrate species. In addition, this alteration is predicted to be deleterious by in silico analysis. This variant is considered to be rare based on population cohorts in the Genome Aggregation Database (gnomAD). Based on the majority of available evidence to date, this variant is likely to be pathogenic.

Color Diagnostics, LLC DBA Color Health
Classification: Uncertain significance for Cardiomyopathy. Last evaluated: 2025-09-10. Review status: criteria provided, single submitter. Criteria: ACMG Guidelines, 2015. Collection method: clinical testing. Allele origin: germline.
Comment: This missense variant replaces arginine with cysteine at codon 139 of the TNNT2 protein. Computational prediction suggests that this variant may have a deleterious impact on protein structure and function. To our knowledge, functional studies have not been reported for this variant. This variant has been reported in several individuals affected with dilated cardiomyopathy (PMID: 25448463, 27532257, 29892087, 31983221, 32746448, 36277766). This variant has been identified in 1/250080 chromosomes in the general population by the Genome Aggregation Database (gnomAD). The available evidence is insufficient to determine the role of this variant in disease conclusively. Therefore, this variant is classified as a Variant of Uncertain Significance.

Labcorp Genetics (formerly Invitae), Labcorp
Classification: Uncertain significance for Cardiomyopathy, familial restrictive, 3; Hypertrophic cardiomyopathy 2; Dilated cardiomyopathy 1D. Last evaluated: 2025-08-13. Review status: criteria provided, single submitter. Criteria: Invitae Variant Classification Sherloc (09022015). Collection method: clinical testing. Allele origin: germline.
Comment: This sequence change replaces arginine, which is basic and polar, with cysteine, which is neutral and slightly polar, at codon 139 of the TNNT2 protein (p.Arg139Cys). The frequency data for this variant in the population databases is considered unreliable, as metrics indicate poor data quality at this position in the gnomAD database. This missense change has been observed in individual(s) with dilated cardiomyopathy (PMID: 25448463, 27532257, 31983221, 32746448, 37652022). ClinVar contains an entry for this variant (Variation ID: 43640). Invitae Evidence Modeling of protein sequence and biophysical properties (such as structural, functional, and spatial information, amino acid conservation, physicochemical variation, residue mobility, and thermodynamic stability) has been performed for this missense variant. However, the output from this modeling did not meet the statistical confidence thresholds required to predict the impact of this variant on TNNT2 protein function. This variant disrupts the p.Arg139 amino acid residue in TNNT2. Other variant(s) that disrupt this residue have been determined to be pathogenic (PMID: 20973921, 27532257; internal data). This suggests that this residue is clinically significant, and that variants that disrupt this residue are likely to be disease-causing. In summary, the available evidence is currently insufficient to determine the role of this variant in disease. Therefore, it has been classified as a Variant of Uncertain Significance.

Molecular Diagnostic Laboratory for Inherited Cardiovascular Disease, Montreal Heart Institute
Classification: Likely pathogenic for Cardiovascular phenotype. Last evaluated: 2024-06-27. Review status: criteria provided, single submitter. Criteria: ACMG Guidelines, 2015. Collection method: clinical testing. Allele origin: germline. Affected: yes.
Comment: PS4_mod, PM1, PM2, PM5, PP2, PP3

CHEO Genetics Diagnostic Laboratory, Children's Hospital of Eastern Ontario
Classification: Likely pathogenic for Cardiomyopathy. Last evaluated: 2018-05-16. Review status: criteria provided, single submitter. Criteria: ACMG Guidelines, 2015. Collection method: clinical testing. Allele origin: germline.

Laboratory for Molecular Medicine, Mass General Brigham Personalized Medicine
Classification: Uncertain significance. Last evaluated: 2015-03-11. Review status: criteria provided, single submitter. Criteria: LMM Criteria. Collection method: clinical testing. Allele origin: germline. Observed: 3 variant alleles.
Comment: Variant classified as Uncertain Significance - Favor Pathogenic. This variant was absent from large population studies. Computational prediction tools and conservation analysis suggest that this variant may impact the protei n, though this information is not predictive enough to determine pathogenicity. In summary, while there is some suspicion for a pathogenic role, the clinical si gnificance of the p.Arg139Cys variant is uncertain.

Literature cited by the submitters: PubMed 24503780 (cited by Ambry Genetics); PubMed 25448463 (cited by 3 submitters); PubMed 27532257 (cited by 3 submitters); PubMed 29892087 (cited by Ambry Genetics and Color Diagnostics, LLC DBA Color Health); PubMed 30429050 (cited by Ambry Genetics); PubMed 31983221 (cited by 3 submitters); PubMed 36277766 (cited by Ambry Genetics and Color Diagnostics, LLC DBA Color Health); PubMed 37652022 (cited by Ambry Genetics and Labcorp Genetics (formerly Invitae), Labcorp); PubMed 37904629 (cited by Ambry Genetics); PubMed 38489124 (cited by Ambry Genetics); PubMed 32746448 (cited by Color Diagnostics, LLC DBA Color Health and Labcorp Genetics (formerly Invitae), Labcorp); PubMed 20973921 (cited by Labcorp Genetics (formerly Invitae), Labcorp).

NM_001276345.2(TNNT2):c.445C>T (p.Arg149Cys)

Gene: TNNT2 (troponin T2, cardiac type; minus strand). Cytogenetic location: 1q32.1.
Variant type: single nucleotide variant.
Coding change: c.445C>T on transcript NM_001276345.2 (MANE Select); coding-DNA position 445, C replaced by T.
Protein change: p.Arg149Cys; replaces arginine 149 with cysteine.
Molecular consequence: missense variant.
Genome position (GRCh38, 1-based): chr1:201,364,342, G>A on the plus strand (C>T on the coding strand, the complement: TNNT2 is on the minus strand). VCF-style: chr1-201364342-G-A. GRCh37 (hg19) VCF-style: chr1-201333470-G-A.
Other names: c.445C>T, p.Arg149Cys (NM_000364.4); c.415C>T, p.Arg139Cys (NM_001001430.3, NM_001001431.3, NM_001276347.2); c.400C>T, p.Arg134Cys (NM_001001432.3); c.325C>T, p.Arg109Cys (NM_001276346.2); short protein forms R139C, R149C, R109C, R134C.
Identifiers: ClinVar variation 43640 (VCV000043640.30), dbSNP rs397516465, ClinGen allele CA004505.